The following is an entry in ClinVar:

ClinVar aggregate classification (germline): Uncertain significance. Review status: criteria provided, multiple submitters, no conflicts (2 of 4 stars). 7 submissions from 7 submitters: Uncertain significance (6). 1 of the submissions does not count toward it. Last evaluated 2026-01-11.

Conditions:
Hereditary pheochromocytoma and paraganglioma. Also called: Hereditary Paraganglioma-Pheochromocytoma Syndromes; Hereditary pheochromocytoma-paraganglioma; Hereditary paragangliomas and pheochromocytomas. Identifiers: Orphanet 29072, MedGen C4274332, MONDO:0017366.
Hereditary cancer-predisposing syndrome. Also called: Neoplastic Syndromes, Hereditary; Hereditary neoplastic syndrome; Hereditary Cancer Syndrome; Tumor predisposition. Identifiers: Orphanet 140162, MedGen C0027672, MeSH D009386, MONDO:0015356.
Gastrointestinal stromal tumor. Also called: Gastrointestinal stromal tumor, somatic; Gastrointestinal stroma tumor. Identifiers: Orphanet 44890, MedGen C0238198, MeSH D046152, MONDO:0011719, OMIM 606764, HP:0100723.
Pheochromocytoma. Also called: MAX-Related Hereditary Paraganglioma-Pheochromocytoma Syndrome. Identifiers: Orphanet 29072, MedGen C0031511, MONDO:0008233, OMIM 171300, HP:0002666.
Pheochromocytoma/paraganglioma syndrome 4. Also called: PARAGANGLIOMA, FAMILIAL MALIGNANT; PARAGANGLIOMAS, HEREDITARY EXTRAADRENAL; PHEOCHROMOCYTOMA, FAMILIAL EXTRAADRENAL; Paragangliomas 4; SDHB-Related Hereditary Paraganglioma-Pheochromocytoma Syndrome (Paragangliomas 4); SDHB-Related Hereditary Paraganglioma-Pheochromocytoma Syndrome. Identifiers: Orphanet 29072, MedGen C1861848, MONDO:0007273, OMIM 115310.

Allele frequency attached by ClinVar (database versions not stated): gnomAD 0.00001; gnomAD exomes 0.00001 and 0.00002; ExAC 0.00002; TOPMed 0.00003; ESP Exome Variant Server 0.00008.

Submissions (7):

Labcorp Genetics (formerly Invitae), Labcorp
Classification: Uncertain significance for Gastrointestinal stromal tumor; Pheochromocytoma/paraganglioma syndrome 4; Pheochromocytoma. Last evaluated: 2026-01-11. Review status: criteria provided, single submitter. Criteria: Invitae Variant Classification Sherloc (09022015). Collection method: clinical testing. Allele origin: germline.
Comment: This sequence change replaces arginine, which is basic and polar, with glutamine, which is neutral and polar, at codon 27 of the SDHB protein (p.Arg27Gln). This variant is present in population databases (rs373976827, gnomAD 0.006%). This missense change has been observed in individual(s) with pheochromocytoma and/or paraganglioma (PMID: 25494863, 34906457). ClinVar contains an entry for this variant (Variation ID: 234049). Invitae Evidence Modeling of protein sequence and biophysical properties (such as structural, functional, and spatial information, amino acid conservation, physicochemical variation, residue mobility, and thermodynamic stability) indicates that this missense variant is not expected to disrupt SDHB protein function with a negative predictive value of 95%. In summary, the available evidence is currently insufficient to determine the role of this variant in disease. Therefore, it has been classified as a Variant of Uncertain Significance.

Ambry Genetics
Classification: Uncertain significance for Hereditary cancer-predisposing syndrome. Last evaluated: 2025-04-23. Review status: criteria provided, single submitter. Criteria: Ambry Variant Classification Scheme 2023. Collection method: clinical testing. Allele origin: germline.
Comment: The p.R27Q variant (also known as c.80G>A), located in coding exon 2 of the SDHB gene, results from a G to A substitution at nucleotide position 80. The arginine at codon 27 is replaced by glutamine, an amino acid with highly similar properties. This amino acid position is highly conserved in available vertebrate species. In addition, the in silico prediction for this alteration is inconclusive. Since supporting evidence is limited at this time, the clinical significance of this alteration remains unclear.

Quest Diagnostics Nichols Institute San Juan Capistrano
Classification: Uncertain significance. Last evaluated: 2025-02-13. Review status: criteria provided, single submitter. Criteria: Quest Diagnostics criteria. Collection method: clinical testing. Allele origin: unknown.

Women's Health and Genetics/Laboratory Corporation of America, LabCorp
Classification: Uncertain significance. Last evaluated: 2025-01-02. Review status: criteria provided, single submitter. Criteria: LabCorp Variant Classification Summary - May 2015. Collection method: clinical testing. Allele origin: germline.
Comment: Variant summary: SDHB c.80G>A (p.Arg27Gln) results in a conservative amino acid change in the encoded protein sequence. Three of five in-silico tools predict a benign effect of the variant on protein function. The variant allele was found at a frequency of 2e-05 in 250678 control chromosomes. The available data on variant occurrences in the general population are insufficient to allow any conclusion about variant significance. c.80G>A has been reported in the presumed heterozygous state in the literature in individuals affected with Pheochromocytoma (example, Denes_2015, Garrett_2022). These data do not allow any conclusion about variant significance. To our knowledge, no experimental evidence demonstrating an impact on protein function has been reported. The following publications have been ascertained in the context of this evaluation (PMID: 25494863, 34906457). ClinVar contains an entry for this variant (Variation ID: 234049). Based on the evidence outlined above, the variant was classified as uncertain significance.

All of Us Research Program, National Institutes of Health
Classification: Uncertain significance for Hereditary pheochromocytoma and paraganglioma. Last evaluated: 2024-03-24. Review status: criteria provided, single submitter. Criteria: ACMG Guidelines, 2015. Collection method: clinical testing. Allele origin: germline. Inheritance: Autosomal dominant inheritance. Observed: 5 variant alleles, 5 heterozygotes.
Comment: This missense variant replaces arginine with glutamine at codon 27 of the SDHB protein. Computational prediction is inconclusive regarding the impact of this variant on protein structure and function (internally defined REVEL score threshold 0.5 < inconclusive < 0.7, PMID: 27666373). To our knowledge, functional studies have not been reported for this variant. This variant has been reported in individuals affected with pheochromocytoma and or paraganglioma in the literature (PMID: 25494863, 34906457). This variant has been identified in 5/250678 chromosomes in the general population by the Genome Aggregation Database (gnomAD). The available evidence is insufficient to determine the role of this variant in disease conclusively. Therefore, this variant is classified as a Variant of Uncertain Significance.

This study involves interpretation of variants in research participants for the purpose of population health screening. Participant phenotype was not available at the time of variant classification. Additional details can be found in publication PMID: 35346344, PMCID: PMC8962531

Color Diagnostics, LLC DBA Color Health
Classification: Uncertain significance for Hereditary pheochromocytoma and paraganglioma. Last evaluated: 2024-03-07. Review status: criteria provided, single submitter. Criteria: ACMG Guidelines, 2015. Collection method: clinical testing. Allele origin: germline.
Comment: This missense variant replaces arginine with glutamine at codon 27 of the SDHB protein. Computational prediction is inconclusive regarding the impact of this variant on protein structure and function. To our knowledge, functional studies have not been reported for this variant. This variant has been reported in individuals affected with pheochromocytoma and or paraganglioma in the literature (PMID: 25494863, 34906457). This variant has been identified in 5/250678 chromosomes in the general population by the Genome Aggregation Database (gnomAD). The available evidence is insufficient to determine the role of this variant in disease conclusively. Therefore, this variant is classified as a Variant of Uncertain Significance.

Section on Medical Neuroendocrinolgy, National Institutes of Health
Classification: Pathogenic for Hereditary pheochromocytoma and paraganglioma. Review status: no assertion criteria provided. Collection method: research. Allele origin: germline. Affected: yes. Not counted in ClinVar's aggregate classification.

Literature cited by the submitters: PubMed 25494863 (cited by 5 submitters); PubMed 34906457 (cited by 4 submitters).

NM_003000.3(SDHB):c.80G>A (p.Arg27Gln)

Gene: SDHB (succinate dehydrogenase complex iron sulfur subunit B; minus strand). Cytogenetic location: 1p36.13.
Variant type: single nucleotide variant.
Coding change: c.80G>A on transcript NM_003000.3 (MANE Select); coding-DNA position 80, G replaced by A.
Protein change: p.Arg27Gln; replaces arginine 27 with glutamine.
Molecular consequence: missense variant.
Genome position (GRCh38, 1-based): chr1:17,044,881, C>T on the plus strand (G>A on the coding strand, the complement: SDHB is on the minus strand). VCF-style: chr1-17044881-C-T. GRCh37 (hg19) VCF-style: chr1-17371376-C-T.
Other names: short protein forms R27Q.
Identifiers: ClinVar variation 234049 (VCV000234049.18), dbSNP rs373976827, ClinGen allele CA089772.
Genomic context (GRCh38, chr1:17,044,881, plus strand): 5'-CATCGATAGATGGCAAATTTCTTGATACGGGGAGCTGTGGCTGCAGCTGTCTGGGCTCCT[C>T]GGGAGGCCTGAAATTTTTTAAAGTTCACAAAAAGGAAAAAAAAATTAGAAATACAAGATA-3'
Protein context (NP_002991.2, residues 17-37): TLGGACLQAS[Arg27Gln]GAQTAAATAP